The following is an entry in ClinVar:

ClinVar aggregate classification (germline): Uncertain significance (1 of 4 stars; one submission).

Allele frequency attached by ClinVar (database versions not stated): TOPMed 0.00001; ExAC 0.00002; gnomAD 0.00002.
gnomAD v4.1: 16 of 1,610,336 alleles (0.00099%); highest among the groups gnomAD compares: Non-Finnish European, 0.0014%; no homozygotes.

Submissions (2):

Labcorp Genetics (formerly Invitae), Labcorp
Classification: Uncertain significance. Last evaluated: 2022-10-08. Review status: criteria provided, single submitter. Criteria: Invitae Variant Classification Sherloc (09022015). Collection method: clinical testing. Allele origin: germline.
Comment: This sequence change replaces alanine, which is neutral and non-polar, with threonine, which is neutral and polar, at codon 448 of the CCDC88C protein (p.Ala448Thr). This variant also falls at the last nucleotide of exon 12, which is part of the consensus splice site for this exon. This variant is present in population databases (rs756303627, gnomAD 0.004%). This variant has not been reported in the literature in individuals affected with CCDC88C-related conditions. Algorithms developed to predict the effect of missense changes on protein structure and function (SIFT, PolyPhen-2, Align-GVGD) all suggest that this variant is likely to be tolerated. Variants that disrupt the consensus splice site are a relatively common cause of aberrant splicing (PMID: 17576681, 9536098). Algorithms developed to predict the effect of sequence changes on RNA splicing suggest that this variant may create or strengthen a splice site. In summary, the available evidence is currently insufficient to determine the role of this variant in disease. Therefore, it has been classified as a Variant of Uncertain Significance.

Dr. Peter K. Rogan Lab, Western University
No classification provided (evidence only). Condition: Ovarian serous cystadenocarcinoma. Review status: no classification provided. Collection method: in vitro. Allele origin: not applicable. Functional consequence: retained intron. Not counted in ClinVar's aggregate classification.

Literature cited by the submitters: PubMed 17576681 (cited by Labcorp Genetics (formerly Invitae), Labcorp); PubMed 9536098 (cited by Labcorp Genetics (formerly Invitae), Labcorp).

NM_001080414.4(CCDC88C):c.1342G>A (p.Ala448Thr)

Gene: CCDC88C (coiled-coil and HOOK domain protein 88C; minus strand). Cytogenetic location: 14q32.11.
Variant type: single nucleotide variant.
Coding change: c.1342G>A on transcript NM_001080414.4 (MANE Select); coding-DNA position 1342, G replaced by A.
Protein change: p.Ala448Thr; replaces alanine 448 with threonine.
Molecular consequence: missense variant.
Genome position (GRCh38, 1-based): chr14:91,324,779, C>T on the plus strand (G>A on the coding strand, the complement: CCDC88C is on the minus strand). VCF-style: chr14-91324779-C-T. GRCh37 (hg19) VCF-style: chr14-91791123-C-T.
Other names: short protein forms A448T.
Identifiers: ClinVar variation 1994225 (VCV001994225.2), dbSNP rs756303627, ClinGen allele CA7309938.